The following is an entry in ClinVar:

NM_000038.6(APC):c.5350G>A (p.Glu1784Lys)

Gene: APC (APC regulator of Wnt signaling pathway; plus strand). Cytogenetic location: 5q22.2.
Variant type: single nucleotide variant.
Coding change: c.5350G>A on transcript NM_000038.6 (MANE Select); coding-DNA position 5350, G replaced by A.
Protein change: p.Glu1784Lys; replaces glutamic acid 1784 with lysine.
Molecular consequence: missense variant.
Genome position (GRCh38, 1-based): chr5:112,840,944, G>A. VCF-style: chr5-112840944-G-A. GRCh37 (hg19) VCF-style: chr5-112176641-G-A.
Other names: c.5350G>A, p.Glu1784Lys (NM_001127510.3, NM_001354895.2); c.5296G>A, p.Glu1766Lys (NM_001127511.3); c.5404G>A, p.Glu1802Lys (NM_001354896.2); c.5380G>A, p.Glu1794Lys (NM_001354897.2); c.5275G>A, p.Glu1759Lys (NM_001354898.2); c.5266G>A, p.Glu1756Lys (NM_001354899.2); c.5227G>A, p.Glu1743Lys (NM_001354900.2); c.5173G>A, p.Glu1725Lys (NM_001354901.2); and 5 more; short protein forms E1766K, E1784K, E1693K, E1802K, E1501K, E1725K, E1756K, E1759K.
Identifiers: ClinVar variation 565391 (VCV000565391.13), dbSNP rs1561599480, ClinGen allele CA16033023.

ClinVar aggregate classification (germline): Uncertain significance. Review status: criteria provided, multiple submitters, no conflicts (2 of 4 stars). 3 submissions from 3 submitters: Uncertain significance (3). Last evaluated 2025-12-17.

Conditions:
Hereditary cancer-predisposing syndrome. Also called: Neoplastic Syndromes, Hereditary; Hereditary neoplastic syndrome; Tumor predisposition; Hereditary Cancer Syndrome. Identifiers: Orphanet 140162, MedGen C0027672, MeSH D009386, MONDO:0015356.
Familial adenomatous polyposis 1 (FAP1). Also called: FAMILIAL ADENOMATOUS POLYPOSIS 1, ATTENUATED; POLYPOSIS, ADENOMATOUS INTESTINAL. Identifiers: MedGen C2713442, MONDO:0021056, OMIM 175100. Disease mechanism: loss of function.

Allele frequency attached by ClinVar (database versions not stated): gnomAD exomes below 0.00001.
gnomAD v4.1: 1 of 1,613,432 alleles (0.000062%); highest among the groups gnomAD compares: Non-Finnish European, 0.000085%; no homozygotes.

Submissions (3):

Ambry Genetics
Classification: Uncertain significance for Hereditary cancer-predisposing syndrome. Last evaluated: 2025-12-17. Review status: criteria provided, single submitter. Criteria: Ambry Variant Classification Scheme 2023. Collection method: clinical testing. Allele origin: germline.
Comment: The p.E1784K variant (also known as c.5350G>A), located in coding exon 15 of the APC gene, results from a G to A substitution at nucleotide position 5350. The glutamic acid at codon 1784 is replaced by lysine, an amino acid with similar properties. This amino acid position is well conserved in available vertebrate species. In addition, in silico predictors for this gene do not accurately predict pathogenicity. Missense variants in APC are not a common cause of disease (Spier I et al. Genet Med. 2024 Feb;26(2):100992). Based on the available evidence, the clinical significance of this variant remains unclear.

Color Diagnostics, LLC DBA Color Health
Classification: Uncertain significance for Hereditary cancer-predisposing syndrome. Last evaluated: 2025-07-09. Review status: criteria provided, single submitter. Criteria: ACMG Guidelines, 2015. Collection method: clinical testing. Allele origin: germline.
Comment: This missense variant replaces glutamic acid with lysine at codon 1784 of the APC protein. Computational prediction suggests that this variant may not impact protein structure and function. To our knowledge, functional studies have not been reported for this variant. This variant has not been reported in individuals affected with APC-related disorders in the literature. This variant has not been identified in the general population by the Genome Aggregation Database (gnomAD). The available evidence is insufficient to determine the role of this variant in disease conclusively. Therefore, this variant is classified as a Variant of Uncertain Significance.

Labcorp Genetics (formerly Invitae), Labcorp
Classification: Uncertain significance for Familial adenomatous polyposis 1. Last evaluated: 2024-08-22. Review status: criteria provided, single submitter. Criteria: Invitae Variant Classification Sherloc (09022015). Collection method: clinical testing. Allele origin: germline.
Comment: This sequence change replaces glutamic acid, which is acidic and polar, with lysine, which is basic and polar, at codon 1784 of the APC protein (p.Glu1784Lys). This variant is not present in population databases (gnomAD no frequency). This variant has not been reported in the literature in individuals affected with APC-related conditions. ClinVar contains an entry for this variant (Variation ID: 565391). Invitae Evidence Modeling of protein sequence and biophysical properties (such as structural, functional, and spatial information, amino acid conservation, physicochemical variation, residue mobility, and thermodynamic stability) indicates that this missense variant is not expected to disrupt APC protein function with a negative predictive value of 95%. In summary, the available evidence is currently insufficient to determine the role of this variant in disease. Therefore, it has been classified as a Variant of Uncertain Significance.